The following is an entry in ClinVar:

NM_007294.4(BRCA1):c.183T>G (p.Cys61Trp)

Gene: BRCA1 (BRCA1 DNA repair associated; minus strand). Cytogenetic location: 17q21.31.
Variant type: single nucleotide variant.
Coding change: c.183T>G on transcript NM_007294.4 (MANE Select); coding-DNA position 183, T replaced by G.
Protein change: p.Cys61Trp; replaces cysteine 61 with tryptophan.
Molecular consequence: missense variant. On other transcripts: non-coding transcript variant (1).
Genome position (GRCh38, 1-based): chr17:43,106,485, A>C on the plus strand (T>G on the coding strand, the complement: BRCA1 is on the minus strand). VCF-style: chr17-43106485-A-C. GRCh37 (hg19) VCF-style: chr17-41258502-A-C.
Other names: c.183T>G, p.Cys61Trp (NM_001407590.1, NM_001407591.1, NM_001407593.1 and 168 more transcripts); c.42T>G, p.Cys14Trp (NM_001407692.1, NM_001407694.1, NM_001407695.1 and 99 more transcripts); c.-6T>G (NM_001407853.1, NM_001407879.1, NM_001407881.1 and 58 more transcripts); short protein forms C14W, C61W.
Identifiers: ClinVar variation 868253 (VCV000868253.3), dbSNP rs895070717, ClinGen allele CA10601797.

Conditions:
Breast-ovarian cancer, familial, susceptibility to, 1 (BROVCA1). Also called: BRCA1 Hereditary Breast and Ovarian Cancer; OVARIAN CANCER, SUSCEPTIBILITY TO. Identifiers: Orphanet 145, MedGen C2676676, MONDO:0011450, OMIM 604370. Disease mechanism: loss of function.

Submission:

Brotman Baty Institute, University of Washington
No classification provided (evidence only). Condition: Breast-ovarian cancer, familial 1. Review status: no classification provided. Collection method: in vitro. Allele origin: not applicable. Functional consequence: functionally_abnormal.
ClinVar note: "not provided" was previously submitted as the classification for the variant. However, the classification appeared to be based only on an observation of functional data so it was converted to no classification on 2025-07-30.